The following is an entry in ClinVar:

ClinVar aggregate classification (germline): Benign. Review status: criteria provided, multiple submitters, no conflicts (2 of 4 stars). 2 submissions from 2 submitters: Benign (2). Last evaluated 2018-06-14.

Allele frequency attached by ClinVar (database versions not stated): gnomAD 0.07055 and 0.07550; ESP Exome Variant Server 0.07328; TOPMed 0.07751; 1000 Genomes Project 0.08127; 1000 Genomes Project 30x 0.08479.

Submissions (2):

GeneDx
Classification: Benign. Last evaluated: 2018-06-14. Review status: criteria provided, single submitter. Criteria: GeneDx Variant Classification (06012015). Collection method: clinical testing. Allele origin: germline. Affected: yes.
Comment: This variant is considered likely benign or benign based on one or more of the following criteria: it is a conservative change, it occurs at a poorly conserved position in the protein, it is predicted to be benign by multiple in silico algorithms, and/or has population frequency not consistent with disease.

Breakthrough Genomics
Classification: Benign. Review status: criteria provided, single submitter. Criteria: ACMG Guidelines, 2015. Collection method: not provided. Allele origin: germline. Inheritance: Autosomal recessive inheritance. Affected: yes.

NM_001365088.1(SLC12A6):c.316+75T>G

Gene: SLC12A6 (solute carrier family 12 member 6; minus strand). Cytogenetic location: 15q14.
Variant type: single nucleotide variant.
Coding change: c.316+75T>G on transcript NM_001365088.1 (MANE Select); 75 bases into the intron after coding-DNA position 316, T replaced by G.
Molecular consequence: intron variant.
Genome position (GRCh38, 1-based): chr15:34,275,270, A>C on the plus strand (T>G on the coding strand, the complement: SLC12A6 is on the minus strand). VCF-style: chr15-34275270-A-C. GRCh37 (hg19) VCF-style: chr15-34567471-A-C.
Other names: c.139+75T>G (NM_001042495.2, NM_001042494.2); c.289+75T>G (NM_001042496.2); c.272-14250T>G (NM_001042497.2); c.316+75T>G (NM_133647.2); c.163+75T>G (NM_005135.2).
Identifiers: ClinVar variation 675703 (VCV000675703.2), dbSNP rs347825, ClinGen allele CA268653781.